The following is an entry in ClinVar:

NM_004655.4(AXIN2):c.626A>C (p.Tyr209Ser)

Gene: AXIN2 (axin 2; minus strand). Cytogenetic location: 17q24.1.
Variant type: single nucleotide variant.
Coding change: c.626A>C on transcript NM_004655.4 (MANE Select); coding-DNA position 626, A replaced by C.
Protein change: p.Tyr209Ser; replaces tyrosine 209 with serine.
Molecular consequence: missense variant.
Genome position (GRCh38, 1-based): chr17:65,557,995, T>G on the plus strand (A>C on the coding strand, the complement: AXIN2 is on the minus strand). VCF-style: chr17-65557995-T-G. GRCh37 (hg19) VCF-style: chr17-63554113-T-G.
Other names: c.626A>C, p.Tyr209Ser (NM_001363813.1); short protein forms Y209S.
Identifiers: ClinVar variation 1752531 (VCV001752531.2), dbSNP rs2544248817, ClinGen allele CA400680628.
Genomic context (GRCh38, chr17:65,557,995, plus strand): 5'-TTCAAGGTGGGGAGATAGCCACACACGACCTTTAGGCTCCCGAGTCCCCCATTACTCATG[T>G]AAGCTGTGTTTTCTCCCCCACTCCTCACATATTCGAGGTATATATCAGAAGTCAAAAACA-3'
Protein context (NP_004646.3, residues 199-219): YVRSGGENTA[Tyr209Ser]MSNGGLGSLK

ClinVar aggregate classification (germline): Uncertain significance (1 of 4 stars; one submission).

Conditions:
Hereditary cancer-predisposing syndrome. Also called: Hereditary Cancer Syndrome; Hereditary neoplastic syndrome; Neoplastic Syndromes, Hereditary; Tumor predisposition. Identifiers: Orphanet 140162, MedGen C0027672, MeSH D009386, MONDO:0015356.

Submission:

Ambry Genetics
Classification: Uncertain significance for Hereditary cancer-predisposing syndrome. Last evaluated: 2021-12-17. Review status: criteria provided, single submitter. Criteria: Ambry Variant Classification Scheme 2023. Collection method: clinical testing. Allele origin: germline.
Comment: The p.Y209S variant (also known as c.626A>C), located in coding exon 1 of the AXIN2 gene, results from an A to C substitution at nucleotide position 626. The tyrosine at codon 209 is replaced by serine, an amino acid with dissimilar properties. This amino acid position is conserved. In addition, the in silico prediction for this alteration is inconclusive. Since supporting evidence is limited at this time, the clinical significance of this alteration remains unclear.